The following is an entry in ClinVar:

NM_000489.6(ATRX):c.4121-3A>G

Gene: ATRX (ATRX chromatin remodeler; minus strand). Cytogenetic location: Xq21.1.
Variant type: single nucleotide variant.
Coding change: c.4121-3A>G on transcript NM_000489.6 (MANE Select); 3 bases into the intron before coding-DNA position 4121, A replaced by G.
Molecular consequence: intron variant.
Genome position (GRCh38, 1-based): chrX:77,656,656, T>C on the plus strand (A>G on the coding strand, the complement: ATRX is on the minus strand). VCF-style: chrX-77656656-T-C. GRCh37 (hg19) VCF-style: chrX-76912146-T-C.
Other names: c.4007-3A>G (NM_138270.5); c.4121-3A>G (NM_000489.3).
Identifiers: ClinVar variation 1902807 (VCV001902807.6), dbSNP rs2522781278, ClinGen allele CA2580101408.

ClinVar aggregate classification (germline): Uncertain significance. Review status: criteria provided, multiple submitters, no conflicts (2 of 4 stars). 2 submissions from 2 submitters: Uncertain significance (2). Last evaluated 2025-10-20.

Conditions:
Inborn genetic diseases. Identifiers: MedGen C0950123, MeSH D030342.
Alpha thalassemia-X-linked intellectual disability syndrome (ATRX). Also called: ATR, NONDELETION TYPE; ATR-X syndrome; Alpha thalassemia mental retardation syndrome, nondeletion type, X-linked; XLMR hypotonic face syndrome; ALPHA-THALASSEMIA/MENTAL RETARDATION SYNDROME, X-LINKED; X-linked alpha-thalassemia-mental retardation syndrome. Identifiers: Orphanet 847, MedGen C1845055, MONDO:0010519, OMIM 301040.

Submissions (2):

Ambry Genetics
Classification: Uncertain significance for Inborn genetic diseases. Last evaluated: 2025-10-20. Review status: criteria provided, single submitter. Criteria: Ambry Variant Classification Scheme 2023. Collection method: clinical testing. Allele origin: germline.
Comment: The c.4121-3A>G intronic alteration consists of a A to G substitution 3 nucleotides before coding exon 13 in the ATRX gene. This variant was not reported in population-based cohorts in the Genome Aggregation Database (gnomAD). Based on insufficient or conflicting evidence, the clinical significance of this alteration remains unclear.

Labcorp Genetics (formerly Invitae), Labcorp
Classification: Uncertain significance for Alpha thalassemia-X-linked intellectual disability syndrome. Last evaluated: 2022-02-09. Review status: criteria provided, single submitter. Criteria: Invitae Variant Classification Sherloc (09022015). Collection method: clinical testing. Allele origin: germline.
Comment: In summary, the available evidence is currently insufficient to determine the role of this variant in disease. Therefore, it has been classified as a Variant of Uncertain Significance. Variants that disrupt the consensus splice site are a relatively common cause of aberrant splicing (PMID: 17576681, 9536098). Algorithms developed to predict the effect of sequence changes on RNA splicing suggest that this variant may disrupt the consensus splice site. This variant has not been reported in the literature in individuals affected with ATRX-related conditions. This variant is not present in population databases (gnomAD no frequency). This sequence change falls in intron 12 of the ATRX gene. It does not directly change the encoded amino acid sequence of the ATRX protein. It affects a nucleotide within the consensus splice site.

Literature cited by the submitters: PubMed 17576681 (cited by Labcorp Genetics (formerly Invitae), Labcorp); PubMed 9536098 (cited by Labcorp Genetics (formerly Invitae), Labcorp).